The following is an entry in ClinVar:

NM_015268.4(DNAJC13):c.4547G>A (p.Arg1516His)

Gene: DNAJC13 (DnaJ heat shock protein family (Hsp40) member C13; plus strand). Cytogenetic location: 3q22.1.
Variant type: single nucleotide variant.
Coding change: c.4547G>A on transcript NM_015268.4 (MANE Select); coding-DNA position 4547, G replaced by A.
Protein change: p.Arg1516His; replaces arginine 1516 with histidine.
Molecular consequence: missense variant.
Genome position (GRCh38, 1-based): chr3:132,502,299, G>A. VCF-style: chr3-132502299-G-A. GRCh37 (hg19) VCF-style: chr3-132221143-G-A.
Other names: p.Arg1516His; c.4562G>A, p.Arg1521His (NM_001329126.2); short protein forms R1516H, R1521H.
Identifiers: ClinVar variation 3039308 (VCV003039308.20), dbSNP rs139620588, ClinGen allele CA2619599.

ClinVar aggregate classification (germline): Benign/Likely benign. Review status: criteria provided, multiple submitters, no conflicts (2 of 4 stars). 4 submissions from 4 submitters: Benign (1); Likely benign (2). 1 of the submissions does not count toward it. Last evaluated 2025-02-07.

Conditions:
DNAJC13-related disorder. Also called: DNAJC13-related condition.

Allele frequency attached by ClinVar (database versions not stated): 1000 Genomes Project 0.00140; 1000 Genomes Project 30x 0.00172; ExAC 0.00186; gnomAD 0.00234; TOPMed 0.00238; ESP Exome Variant Server 0.00277.
gnomAD v4.1: 5,032 of 1,608,852 alleles (0.31%); highest among the groups gnomAD compares: Non-Finnish European, 0.37%; 15 homozygotes.

Submissions (4):

Mayo Clinic Laboratories, Mayo Clinic
Classification: Likely benign. Last evaluated: 2025-02-07. Review status: criteria provided, single submitter. Criteria: ACMG Guidelines, 2015. Collection method: clinical testing. Allele origin: germline. Observed: 4 variant alleles.
Comment: BS2, BP4_moderate

CeGaT Center for Human Genetics Tuebingen
Classification: Benign. Last evaluated: 2024-12-01. Review status: criteria provided, single submitter. Criteria: CeGaT Center For Human Genetics Tuebingen Variant Classification Criteria Version 2. Collection method: clinical testing. Allele origin: germline. Affected: yes. Observed: 2 variant alleles.
Comment: DNAJC13: BS1, BS2

Blueprint Genetics
Classification: Likely benign. Last evaluated: 2024-11-26. Review status: criteria provided, single submitter. Criteria: ACMG Guidelines, 2015. Collection method: clinical testing. Allele origin: germline.

PreventionGenetics, part of Exact Sciences
Classification: Benign for DNAJC13-related condition. Last evaluated: 2019-11-01. Review status: no assertion criteria provided. Collection method: clinical testing. Allele origin: germline. Not counted in ClinVar's aggregate classification.
Comment: This variant is classified as benign based on ACMG/AMP sequence variant interpretation guidelines (Richards et al. 2015 PMID: 25741868, with internal and published modifications).